The following is an entry in ClinVar:

ClinVar aggregate classification (germline): Uncertain significance (1 of 4 stars; one submission).

Conditions:
Tall stature-intellectual disability-renal anomalies syndrome. Also called: Thauvin-Robinet-Faivre syndrome. Identifiers: Orphanet 500095, MedGen C4310715, MONDO:0014918, OMIM 617107.

Allele frequency attached by ClinVar (database versions not stated): gnomAD exomes 0.00002; ExAC 0.00003; 1000 Genomes Project 30x 0.00016; 1000 Genomes Project 0.00020.

Submission:

Baylor Genetics
Classification: Uncertain significance for Tall stature-intellectual disability-renal anomalies syndrome. Last evaluated: 2018-03-22. Review status: criteria provided, single submitter. Criteria: ACMG Guidelines, 2015. Collection method: clinical testing. Allele origin: maternal. Affected: yes.
Comment: This variant was determined to be of uncertain significance according to ACMG Guidelines, 2015 [PMID:25741868].

NM_004214.5(FIBP):c.1004G>C (p.Arg335Pro)

Gene: FIBP (FGF1 intracellular binding protein; minus strand). Cytogenetic location: 11q13.1.
Variant type: single nucleotide variant.
Coding change: c.1004G>C on transcript NM_004214.5 (MANE Select); coding-DNA position 1004, G replaced by C.
Protein change: p.Arg335Pro; replaces arginine 335 with proline.
Molecular consequence: missense variant.
Genome position (GRCh38, 1-based): chr11:65,884,392, C>G on the plus strand (G>C on the coding strand, the complement: FIBP is on the minus strand). VCF-style: chr11-65884392-C-G. GRCh37 (hg19) VCF-style: chr11-65651863-C-G.
Other names: c.1025G>C, p.Arg342Pro (NM_198897.2); short protein forms R335P, R342P.
Identifiers: ClinVar variation 1033667 (VCV001033667.1), dbSNP rs200771731, ClinGen allele CA6111322.